The following is an entry in ClinVar:

ClinVar aggregate classification (germline): Uncertain significance (1 of 4 stars; one submission).

gnomAD v4.1: 2 of 1,610,356 alleles (0.00012%); highest among the groups gnomAD compares: East Asian, 0.0045%; no homozygotes.

Submission:

Labcorp Genetics (formerly Invitae), Labcorp
Classification: Uncertain significance. Last evaluated: 2023-08-17. Review status: criteria provided, single submitter. Criteria: Invitae Variant Classification Sherloc (09022015). Collection method: clinical testing. Allele origin: germline.
Comment: The TREM2 gene has multiple clinically relevant transcripts. This variant occurs in alternate transcript NM_001271821.1, and corresponds to NM_018965.3:c.*101G>C in the primary transcript. This variant occurs in a non-coding region of the TREM2 gene. It does not change the encoded amino acid sequence of the TREM2 protein. This variant is present in population databases (no rsID available, gnomAD 0.006%). This variant has not been reported in the literature in individuals affected with TREM2-related conditions. ClinVar contains an entry for this variant (Variation ID: 2135653). In summary, the available evidence is currently insufficient to determine the role of this variant in disease. Therefore, it has been classified as a Variant of Uncertain Significance.

NM_018965.4(TREM2):c.*101G>C

Gene: TREM2 (triggering receptor expressed on myeloid cells 2; minus strand). Cytogenetic location: 6p21.1.
Variant type: single nucleotide variant.
Coding change: c.*101G>C on transcript NM_018965.4 (MANE Select); 101 bases downstream of the stop codon, G replaced by C.
Molecular consequence: 3 prime UTR variant. On other transcripts: missense variant (1).
Genome position (GRCh38, 1-based): chr6:41,158,663, C>G on the plus strand (G>C on the coding strand, the complement: TREM2 is on the minus strand). VCF-style: chr6-41158663-C-G. GRCh37 (hg19) VCF-style: chr6-41126401-C-G.
Other names: c.600G>C, p.Trp200Cys (NM_001271821.2); short protein forms W200C.
Identifiers: ClinVar variation 2135653 (VCV002135653.4), dbSNP rs1391283629, ClinGen allele CA364057035.